The following is an entry in ClinVar:

ClinVar aggregate classification (germline): Uncertain significance (1 of 4 stars; one submission).

gnomAD v4.1: 1 of 1,189,001 alleles (0.000084%); highest among the groups gnomAD compares: Non-Finnish European, 0.00011%; no homozygotes.

Submission:

Labcorp Genetics (formerly Invitae), Labcorp
Classification: Uncertain significance. Last evaluated: 2024-07-30. Review status: criteria provided, single submitter. Criteria: Invitae Variant Classification Sherloc (09022015). Collection method: clinical testing. Allele origin: germline.
Comment: This sequence change replaces alanine, which is neutral and non-polar, with aspartic acid, which is acidic and polar, at codon 309 of the GPR143 protein (p.Ala309Asp). This variant is not present in population databases (gnomAD no frequency). This variant has not been reported in the literature in individuals affected with GPR143-related conditions. Advanced modeling of protein sequence and biophysical properties (such as structural, functional, and spatial information, amino acid conservation, physicochemical variation, residue mobility, and thermodynamic stability) performed at Invitae indicates that this missense variant is expected to disrupt GPR143 protein function with a positive predictive value of 80%. In summary, the available evidence is currently insufficient to determine the role of this variant in disease. Therefore, it has been classified as a Variant of Uncertain Significance.

NM_000273.3(GPR143):c.926C>A (p.Ala309Asp)

Gene: GPR143 (G protein-coupled receptor 143; minus strand). Cytogenetic location: Xp22.2.
Variant type: single nucleotide variant.
Coding change: c.926C>A on transcript NM_000273.3 (MANE Select); coding-DNA position 926, C replaced by A.
Protein change: p.Ala309Asp; replaces alanine 309 with aspartic acid.
Molecular consequence: missense variant.
Genome position (GRCh38, 1-based): chrX:9,739,679, G>T on the plus strand (C>A on the coding strand, the complement: GPR143 is on the minus strand). VCF-style: chrX-9739679-G-T. GRCh37 (hg19) VCF-style: chrX-9707719-G-T.
Other names: short protein forms A309D.
Identifiers: ClinVar variation 3660868 (VCV003660868.2).